The following is an entry in ClinVar:

NM_001022.4(RPS19):c.305G>A (p.Arg102Gln)

Genes: RPS19 (ribosomal protein S19; plus strand), RPS19-CD79A (RPS19-CD79A readthrough; plus strand). Cytogenetic location: 19q13.2.
Variant type: single nucleotide variant.
Coding change: c.305G>A on transcript NM_001022.4 (MANE Select); coding-DNA position 305, G replaced by A.
Protein change: p.Arg102Gln; replaces arginine 102 with glutamine.
Molecular consequence: missense variant. On other transcripts: synonymous variant (1).
Genome position (GRCh38, 1-based): chr19:41,869,163, G>A. VCF-style: chr19-41869163-G-A. GRCh37 (hg19) VCF-style: chr19-42373233-G-A.
Other names: c.305G>A, p.Arg102Gln (NM_001321483.2, NM_001321484.2); c.318G>A, p.Pro106= (NM_001321485.2); short protein forms R102Q.
Identifiers: ClinVar variation 2900490 (VCV002900490.3), dbSNP rs782345448, ClinGen allele CA9465366.

ClinVar aggregate classification (germline): Uncertain significance (1 of 4 stars; one submission).

Conditions:
Diamond-Blackfan anemia. Also called: Blackfan Diamond syndrome; Aregenerative anemia chronic congenital; Red cell aplasia, pure hereditary; Congenital hypoplastic anemia; Aase syndrome. Identifiers: Orphanet 124, MedGen C1260899, MeSH D029503, MONDO:0015253, HP:0004810.

Allele frequency attached by ClinVar (database versions not stated): TOPMed below 0.00001; ExAC 0.00001; gnomAD 0.00001; gnomAD exomes 0.00001.
gnomAD v4.1: 4 of 1,613,864 alleles (0.00025%); highest among the groups gnomAD compares: Admixed American, 0.0033%; no homozygotes.

Submission:

Labcorp Genetics (formerly Invitae), Labcorp
Classification: Uncertain significance for Diamond-Blackfan anemia. Last evaluated: 2025-08-01. Review status: criteria provided, single submitter. Criteria: Invitae Variant Classification Sherloc (09022015). Collection method: clinical testing. Allele origin: germline.
Comment: This sequence change replaces arginine, which is basic and polar, with glutamine, which is neutral and polar, at codon 102 of the RPS19 protein (p.Arg102Gln). This variant is present in population databases (rs782345448, gnomAD 0.003%). This variant has not been reported in the literature in individuals affected with RPS19-related conditions. ClinVar contains an entry for this variant (Variation ID: 2900490). An algorithm developed to predict the effect of missense changes on protein structure and function (PolyPhen-2) suggests that this variant is likely to be tolerated. In summary, the available evidence is currently insufficient to determine the role of this variant in disease. Therefore, it has been classified as a Variant of Uncertain Significance.